The following is an entry in ClinVar:

ClinVar aggregate classification (germline): Likely benign (0 of 4 stars; one submission).

Conditions:
GALE-related disorder. Also called: GALE-related condition.

gnomAD v4.1: 2 of 1,614,180 alleles (0.00012%); highest among the groups gnomAD compares: Admixed American, 0.0017%; no homozygotes.

Submission:

PreventionGenetics, part of Exact Sciences
Classification: Likely benign for GALE-related condition. Last evaluated: 2019-09-10. Review status: no assertion criteria provided. Collection method: clinical testing. Allele origin: germline.
Comment: This variant is classified as likely benign based on ACMG/AMP sequence variant interpretation guidelines (Richards et al. 2015 PMID: 25741868, with internal and published modifications).

NM_001008216.2(GALE):c.121+7G>C

Gene: GALE (UDP-galactose-4-epimerase; minus strand). Cytogenetic location: 1p36.11.
Variant type: single nucleotide variant.
Coding change: c.121+7G>C on transcript NM_001008216.2 (MANE Select); 7 bases into the intron after coding-DNA position 121, G replaced by C.
Molecular consequence: intron variant.
Genome position (GRCh38, 1-based): chr1:23,798,880, C>G on the plus strand (G>C on the coding strand, the complement: GALE is on the minus strand). VCF-style: chr1-23798880-C-G. GRCh37 (hg19) VCF-style: chr1-24125370-C-G.
Other names: c.121+7G>C (NM_000403.4, NM_001127621.2).
Identifiers: ClinVar variation 3040265 (VCV003040265.2), dbSNP rs904759055, ClinGen allele CA521645816.